The following is an entry in ClinVar:

NM_000155.4(GALT):c.602G>A (p.Arg201His)

Gene: GALT (galactose-1-phosphate uridylyltransferase; plus strand). Cytogenetic location: 9p13.3.
Variant type: single nucleotide variant.
Coding change: c.602G>A on transcript NM_000155.4 (MANE Select); coding-DNA position 602, G replaced by A.
Protein change: p.Arg201His; replaces arginine 201 with histidine.
Molecular consequence: missense variant.
Genome position (GRCh38, 1-based): chr9:34,648,371, G>A. VCF-style: chr9-34648371-G-A. GRCh37 (hg19) VCF-style: chr9-34648368-G-A.
Other names: c.275G>A, p.Arg92His (NM_001258332.2); short protein forms R92H.
Identifiers: ClinVar variation 25227 (VCV000025227.31), dbSNP rs111033735, ClinGen allele CA259451.

ClinVar aggregate classification (germline): Pathogenic. Review status: criteria provided, multiple submitters, no conflicts (2 of 4 stars). 10 submissions from 10 submitters: Pathogenic (9). 1 of the submissions does not count toward it. Last evaluated 2026-01-03.

Conditions:
GALT-related disorder. Also called: GALT-related condition.
Galactosemia. Also called: Galactose intolerance. Identifiers: Orphanet 352, MedGen C0016952, MONDO:0018116, HP:0004919. Disease mechanism: loss of function.
Deficiency of UDPglucose-hexose-1-phosphate uridylyltransferase. Also called: GALACTOSE-1-PHOSPHATE URIDYLYLTRANSFERASE DEFICIENCY; GALT deficiency; Galactosemia, classic; Transferase Deficiency Galactosemia; GALACTOSEMIA I. Identifiers: Orphanet 352, Orphanet 79239, MedGen C0268151, MONDO:0009258, OMIM 230400.

Allele frequency attached by ClinVar (database versions not stated): gnomAD 0.00003 and 0.00005; 1000 Genomes Project 30x 0.00016; 1000 Genomes Project 0.00020; gnomAD exomes 0.00002; TOPMed 0.00002; ExAC 0.00003.

Submissions (10):

Labcorp Genetics (formerly Invitae), Labcorp
Classification: Pathogenic for Deficiency of UDPglucose-hexose-1-phosphate uridylyltransferase. Last evaluated: 2026-01-03. Review status: criteria provided, single submitter. Criteria: Invitae Variant Classification Sherloc (09022015). Collection method: clinical testing. Allele origin: germline.
Comment: This sequence change replaces arginine, which is basic and polar, with histidine, which is basic and polar, at codon 201 of the GALT protein (p.Arg201His). This variant is present in population databases (rs111033735, gnomAD 0.02%). This missense change has been observed in individual(s) with galactose-1-phosphate uridyltransferase deficiency which is specific for Duarte or classic galactosemia (PMID: 11397328, 20547145; internal data). ClinVar contains an entry for this variant (Variation ID: 25227). Invitae Evidence Modeling of protein sequence and biophysical properties (such as structural, functional, and spatial information, amino acid conservation, physicochemical variation, residue mobility, and thermodynamic stability) indicates that this missense variant is expected to disrupt GALT protein function with a positive predictive value of 95%. Experimental studies have shown that this missense change affects GALT function (PMID: 11152465). This variant disrupts the p.Arg201 amino acid residue in GALT. Other variant(s) that disrupt this residue have been observed in individuals with GALT-related conditions (PMID: 22461411), which suggests that this may be a clinically significant amino acid residue. For these reasons, this variant has been classified as Pathogenic.

Natera, Inc.
Classification: Pathogenic for Galactosemia. Last evaluated: 2025-09-15. Review status: criteria provided, single submitter. Criteria: Natera Variant Classification Schema (03/2026). Collection method: clinical testing. Allele origin: germline.
Comment: The c.602G>A variant in GALT is a missense variant predicted to cause substitution of arginine to histidine at amino acid 201. This variant is rare in the general population with a frequency below the threshold expected for the associated phenotype(s). This variant has been observed in one or more individuals affected with the associated recessive disease, as either homozygous or compound heterozygous with a second variant (PMID: 36703223, 27363831, 12595586, 11397328). Given the available evidence, this variant is classified as Pathogenic.

Dubai Health Genomic Medicine Center, Dubai Health
Classification: Pathogenic for Galactosemia. Last evaluated: 2024-10-04. Review status: criteria provided, single submitter. Criteria: ACMG Guidelines, 2015. Collection method: research. Allele origin: germline. Affected: yes.
Comment: PS3,PM3,PM2,PM5,PP3

Genomic Medicine Center of Excellence, King Faisal Specialist Hospital and Research Centre
Classification: Pathogenic for Deficiency of UDPglucose-hexose-1-phosphate uridylyltransferase. Last evaluated: 2024-03-26. Review status: criteria provided, single submitter. Criteria: ACMG Guidelines, 2015. Collection method: clinical testing. Allele origin: germline.

Baylor Genetics
Classification: Pathogenic for Deficiency of UDPglucose-hexose-1-phosphate uridylyltransferase. Last evaluated: 2024-03-04. Review status: criteria provided, single submitter. Criteria: ACMG Guidelines, 2015. Collection method: clinical testing. Allele origin: unknown.

Blueprint Genetics
Classification: Pathogenic for GALT-related disorders. Last evaluated: 2023-04-13. Review status: criteria provided, single submitter. Criteria: ACMG Guidelines, 2015. Collection method: clinical testing. Allele origin: germline. Affected: yes. Observed: 1 variant allele.

Women's Health and Genetics/Laboratory Corporation of America, LabCorp
Classification: Pathogenic for Deficiency of UDPglucose-hexose-1-phosphate uridylyltransferase. Last evaluated: 2021-11-09. Review status: criteria provided, single submitter. Criteria: LabCorp Variant Classification Summary - May 2015. Collection method: clinical testing. Allele origin: germline.
Comment: Variant summary: GALT c.602G>A (p.Arg201His) results in a non-conservative amino acid change in the encoded protein sequence. Four of five in-silico tools predict a damaging effect of the variant on protein function. The variant allele was found at a frequency of 2.4e-05 in 251486 control chromosomes (gnomAD). c.602G>A has been reported in the literature in individuals affected with Galactosemia (examples: Robertson_2000, Webb_2003, Ko_2010, and Welsink-Karssies_2020). At least one publication reports experimental evidence evaluating an impact on protein function (Welsink-Karssies_2020). GALT enzyme activity in cells obtained from a homozygous individual with this variant was <10% of normal activity. Three clinical diagnostic laboratories have submitted clinical-significance assessments for this variant to ClinVar after 2014 and classified the variant as pathogenic (n=2) and likely pathogenic (n=1). Based on the evidence outlined above, the variant was classified as pathogenic.

ARUP Laboratories, Molecular Genetics and Genomics, ARUP Laboratories
Classification: Pathogenic for Deficiency of UDPglucose-hexose-1-phosphate uridylyltransferase. Last evaluated: 2021-07-19. Review status: criteria provided, single submitter. Criteria: ARUP Molecular Germline Variant Investigation Process 2021. Collection method: clinical testing. Allele origin: germline.
Comment: The GALT c.602G>A; p.Arg201His variant (rs111033735) is reported in the literature in individuals with galactosemia (Elsas 1995), including in an individual who is homozygous for the variant (Welsink-Karssies 2020), as well as an individual compound heterozygous with the Duarte allele (Ko 2010). This variant is also reported in ClinVar (Variation ID: 25227). Functional studies of the variant protein have shown a mild decrease in GALT activity compared to wild type protein (Riehman 2001, Ko 2010), but GALT activity in patient erythrocytes carrying the p.Arg201His variant is more pronounced (Ko 2010, Welsink-Karssies 2020). This variant is found in the general population with a low overall allele frequency of 0.002% (7/282866 alleles) in the Genome Aggregation Database. The arginine at codon 201 is highly conserved, and computational analyses predict that this variant is deleterious (REVEL: 0.738). Additionally, other variants at this codon (Arg201Cys, Arg201Ser) have been reported in association with galactosemia (see ClinVar Variation ID: 25226, Crespo 2020), giving further support for the importance of this codon for proper GALT function. Based on available information, the p.Arg201His variant is considered to be pathogenic. REFERENCES Crespo C et al. Molecular analysis of GALT gene in Argentinian population: Correlation with enzyme activity and characterization of a novel Duarte-like allele. Mol Genet Metab Rep. 2020 Dec 10;25:100695. PMID: 33335841. Elsas LJ et al. Galactosemia: a strategy to identify new biochemical phenotypes and molecular genotypes. Am J Hum Genet. 1995 Mar;56(3):630-9. PMID: 7887416. Ko DH et al. Molecular and biochemical characterization of the GALT gene in Korean patients with galactose-1-phosphate uridyltransferase deficiency. Clin Chim Acta. 2010 Oct 9;411(19-20):1506-10. PMID: 20547145. Riehman K et al. Relationship between genotype, activity, and galactose sensitivity in yeast expressing patient alleles of human galactose-1-phosphate uridylyltransferase. J Biol Chem. 2001 Apr 6;276(14):10634-40. PMID: 11152465. Welsink-Karssies MM et al. The Galactose Index measured in fibroblasts of GALT deficient patients distinguishes variant patients detected by newborn screening from patients with classical phenotypes. Mol Genet Metab. 2020 Mar;129(3):171-176. PMID: 31954591.

Eurofins Ntd Llc (ga)
Classification: Pathogenic. Last evaluated: 2015-12-03. Review status: criteria provided, single submitter. Criteria: EGL Classification Definitions 2015. Collection method: clinical testing. Allele origin: germline. Observed: 7 variant alleles, 7 heterozygotes.

Counsyl
Classification: Likely pathogenic for Deficiency of UDPglucose-hexose-1-phosphate uridylyltransferase. Last evaluated: 2018-01-04. Review status: no assertion criteria provided. Collection method: clinical testing. Allele origin: unknown. Not counted in ClinVar's aggregate classification.

Literature cited by the submitters: PubMed 11397328 (cited by 4 submitters); PubMed 20547145 (cited by 3 submitters); PubMed 11152465 (cited by Labcorp Genetics (formerly Invitae), Labcorp and Counsyl); PubMed 22461411 (cited by Labcorp Genetics (formerly Invitae), Labcorp); PubMed 36703223 (cited by Natera, Inc.); PubMed 27363831 (cited by Natera, Inc.); PubMed 12595586 (cited by 3 submitters); PubMed 31954591 (cited by Women's Health and Genetics/Laboratory Corporation of America, LabCorp); PubMed 27005423 (cited by Counsyl); PubMed 20008339 (cited by Counsyl); PubMed 25124065 (cited by Counsyl).